The following is an entry in ClinVar:

ClinVar aggregate classification (germline): Likely pathogenic (1 of 4 stars; one submission).

Conditions:
Hereditary breast ovarian cancer syndrome. Also called: Hereditary breast and ovarian cancer; Hereditary breast and ovarian cancer syndrome; Breast and ovarian cancer; BRCA1- and BRCA2-Associated Hereditary Breast and Ovarian Cancer; Hereditary breast and/or ovarian cancer syndrome; Hereditary breast and ovarian cancer syndrome (HBOC). Identifiers: Orphanet 145, MedGen C0677776, MeSH D061325, MONDO:0003582. Disease mechanism: loss of function.

Submission:

Cancer Variant Interpretation Group UK, Institute of Cancer Research, London
Classification: Likely pathogenic for Hereditary Breast and Ovarian Cancer. Last evaluated: 2018-11-23. Review status: criteria provided, single submitter. Criteria: ACMG Guidelines, 2015. Collection method: curation. Allele origin: germline.
Comment: Data used in classification: The frequency of this variant is 0/138,632 individuals (gnomAD) (PM2_mod). This variant is predicted deleterious on AlignGVGD (class: C65), SIFT (Deleterious), Polyphen2 HumVar (probably damaging) and CADD (27.4) (PP3_sup). The variant is in the DNA-binding domain of BRCA2 (PM1_sup). In the VarCall Bayesian statistical model for VUS classification using functional assay data (Guidugli et al Am J Hum Genet 2018; 102:233-248, Couch Lab), the variant has a probability of being deleterious of 0.999 and an overall classification of pathogenic (PS3_strong). Data not used in classification: There are additional reports of this variant in UMD (2).

Literature cited by the submitters: PubMed 29394989.

NM_000059.4(BRCA2):c.9226G>C (p.Gly3076Arg)

Gene: BRCA2 (BRCA2 DNA repair associated; plus strand). Cytogenetic location: 13q13.1.
Variant type: single nucleotide variant.
Coding change: c.9226G>C on transcript NM_000059.4 (MANE Select); coding-DNA position 9226, G replaced by C.
Protein change: p.Gly3076Arg; replaces glycine 3076 with arginine.
Molecular consequence: missense variant.
Genome position (GRCh38, 1-based): chr13:32,380,115, G>C. VCF-style: chr13-32380115-G-C. GRCh37 (hg19) VCF-style: chr13-32954252-G-C.
Other names: short protein forms G3076R.
Identifiers: ClinVar variation 995950 (VCV000995950.1), dbSNP rs1566253644, ClinGen allele CA387758502.